The following is an entry in ClinVar:

NM_001080414.4(CCDC88C):c.4698C>T (p.Tyr1566=)

Gene: CCDC88C (coiled-coil and HOOK domain protein 88C; minus strand). Cytogenetic location: 14q32.11.
Variant type: single nucleotide variant.
Coding change: c.4698C>T on transcript NM_001080414.4 (MANE Select); coding-DNA position 4698, C replaced by T.
Protein change: p.Tyr1566=; no amino-acid change (tyrosine 1566 retained).
Molecular consequence: synonymous variant. On other transcripts: non-coding transcript variant (2).
Genome position (GRCh38, 1-based): chr14:91,281,458, G>A on the plus strand (C>T on the coding strand, the complement: CCDC88C is on the minus strand). VCF-style: chr14-91281458-G-A. GRCh37 (hg19) VCF-style: chr14-91747802-G-A.
Identifiers: ClinVar variation 4977303 (VCV004977303.1).
Genomic context (GRCh38, chr14:91,281,458, plus strand): 5'-CGTGGATAAAAACCAGTCTGGAAACCCAGGCTGGAGGACACAGCACCCTCCCTACTCACC[G>A]TACTGCCTGTGGTTGGGGACCTCAAACTCCAGGGATGGCTCACAGAGGTTGTCATCTGAG-3'
Protein context (NP_001073883.2, residues 1556-1576): LEFEVPNHRQ[Tyr1566=]VSRPSSLESS

ClinVar aggregate classification (germline): Likely benign (1 of 4 stars; one submission).

Conditions:
CCDC88C-related disorder. Also called: CCDC88C-Related Disorders; CCDC88C-related condition.

gnomAD v4.1: 27 of 1,613,706 alleles (0.0017%); highest among the groups gnomAD compares: South Asian, 0.0077%; no homozygotes.

Submission:

PreventionGenetics, part of Exact Sciences
Classification: Likely benign for CCDC88C-related condition. Last evaluated: 2025-03-19. Review status: criteria provided, single submitter. Criteria: ACMG Guidelines, 2015. Collection method: clinical testing. Allele origin: germline.
Comment: This variant is classified as likely benign based on ACMG/AMP sequence variant interpretation guidelines (Richards et al. 2015 PMID: 25741868, with internal and published modifications).